The following is an entry in ClinVar:

NM_018245.3(OGDHL):c.2050C>T (p.Arg684Cys)

Gene: OGDHL (oxoglutarate dehydrogenase L; minus strand). Cytogenetic location: 10q11.23.
Variant type: single nucleotide variant.
Coding change: c.2050C>T on transcript NM_018245.3 (MANE Select); coding-DNA position 2050, C replaced by T.
Protein change: p.Arg684Cys; replaces arginine 684 with cysteine.
Molecular consequence: missense variant. On other transcripts: non-coding transcript variant (5).
Genome position (GRCh38, 1-based): chr10:49,740,800, G>A on the plus strand (C>T on the coding strand, the complement: OGDHL is on the minus strand). VCF-style: chr10-49740800-G-A. GRCh37 (hg19) VCF-style: chr10-50948846-G-A.
Other names: c.2050C>T (NM_018245.2); c.1879C>T, p.Arg627Cys (NM_001143996.2, NM_001347820.1); c.1423C>T, p.Arg475Cys (NM_001143997.2, NM_001347821.2, NM_001347822.1); c.2050C>T, p.Arg684Cys (NM_001347819.1); c.1870C>T, p.Arg624Cys (NM_001347823.1, NM_001347824.2); c.1243C>T, p.Arg415Cys (NM_001347825.2); c.853C>T, p.Arg285Cys (NM_001347826.1); short protein forms R285C, R415C, R475C, R624C, R627C, R684C.
Identifiers: ClinVar variation 2572542 (VCV002572542.20), dbSNP rs1193060423, ClinGen allele CA376742977.

ClinVar aggregate classification (germline): Uncertain significance. Review status: criteria provided, multiple submitters, no conflicts (2 of 4 stars). 3 submissions from 3 submitters: Uncertain significance (3). Last evaluated 2024-09-20.

Conditions:
Yoon-Bellen neurodevelopmental syndrome (YOBELN). Identifiers: MedGen C5562066, MONDO:0859221, OMIM 619701.

Allele frequency attached by ClinVar (database versions not stated): gnomAD exomes 0.00001; TOPMed 0.00002; gnomAD 0.00003.

Submissions (3):

GeneDx
Classification: Uncertain significance. Last evaluated: 2024-09-20. Review status: criteria provided, single submitter. Criteria: GeneDx Variant Classification Process June 2021. Collection method: clinical testing. Allele origin: germline. Affected: yes.
Comment: Not observed at significant frequency in large population cohorts (gnomAD); In silico analysis supports that this missense variant has a deleterious effect on protein structure/function; Has not been previously published as pathogenic or benign to our knowledge

CeGaT Center for Human Genetics Tuebingen
Classification: Uncertain significance. Last evaluated: 2024-06-01. Review status: criteria provided, single submitter. Criteria: CeGaT Center For Human Genetics Tuebingen Variant Classification Criteria Version 2. Collection method: clinical testing. Allele origin: germline. Affected: yes. Observed: 1 variant allele.
Comment: OGDHL: PM2

3billion
Classification: Uncertain significance for Yoon-Bellen neurodevelopmental syndrome. Review status: criteria provided, single submitter. Criteria: ACMG Guidelines, 2015. Collection method: clinical testing. Allele origin: unknown. Affected: yes. Observed: 1 homozygote.
Comment: The variant is observed at an extremely low frequency in the gnomAD v2.1.1 dataset (total allele frequency: <0.001%). In silico tool predictions suggest damaging effect of the variant on gene or gene product (REVEL: 0.72). Therefore, this variant is classified as Uncertain significance according to the recommendation of ACMG/AMP guideline.